The following is an entry in ClinVar:

NM_005419.4(STAT2):c.2525C>G (p.Thr842Ser)

Gene: STAT2 (signal transducer and activator of transcription 2; minus strand). Cytogenetic location: 12q13.3.
Variant type: single nucleotide variant.
Coding change: c.2525C>G on transcript NM_005419.4 (MANE Select); coding-DNA position 2525, C replaced by G.
Protein change: p.Thr842Ser; replaces threonine 842 with serine.
Molecular consequence: missense variant. On other transcripts: 3 prime UTR variant (1).
Genome position (GRCh38, 1-based): chr12:56,343,420, G>C on the plus strand (C>G on the coding strand, the complement: STAT2 is on the minus strand). VCF-style: chr12-56343420-G-C. GRCh37 (hg19) VCF-style: chr12-56737204-G-C.
Other names: c.2492C>G, p.Thr831Ser (NM_001385110.1); c.2426C>G, p.Thr809Ser (NM_001385111.1); c.*94C>G (NM_001385113.1); c.2504C>G, p.Thr835Ser (NM_001385114.1); c.2483C>G, p.Thr828Ser (NM_001385115.1); c.2513C>G, p.Thr838Ser (NM_198332.2); short protein forms T809S, T842S, T831S, T835S, T828S, T838S.
Identifiers: ClinVar variation 1980272 (VCV001980272.4), dbSNP rs1356843849, ClinGen allele CA385258417.
Genomic context (GRCh38, chr12:56,343,420, plus strand): 5'-ATATGAAAAGAACAGAGGAAATGTGGTTCCTAGAAGTCAGAAGGCATCAAGGGTCCATCA[G>C]TGTAGAAGTGGCTGGGGCGGGAGACGTAAACCTCATCCACGGTGTTCTGGCCAGCCAACA-3'
Protein context (NP_005410.1, residues 832-851): VYVSRPSHFY[Thr842Ser]DGPLMPSDF

ClinVar aggregate classification (germline): Uncertain significance (1 of 4 stars; one submission).

Conditions:
Primary immunodeficiency with post-measles-mumps-rubella vaccine viral infection. Also called: Immunodeficiency 44. Identifiers: Orphanet 431166, MedGen C4225260, MONDO:0014715, OMIM 616636.

gnomAD v4.1: 4 of 1,614,234 alleles (0.00025%); highest among the groups gnomAD compares: Admixed American, 0.0067%; no homozygotes.

Submission:

Labcorp Genetics (formerly Invitae), Labcorp
Classification: Uncertain significance for Primary immunodeficiency with post-measles-mumps-rubella vaccine viral infection. Last evaluated: 2022-08-08. Review status: criteria provided, single submitter. Criteria: Invitae Variant Classification Sherloc (09022015). Collection method: clinical testing. Allele origin: germline.
Comment: This sequence change replaces threonine, which is neutral and polar, with serine, which is neutral and polar, at codon 842 of the STAT2 protein (p.Thr842Ser). This variant is present in population databases (no rsID available, gnomAD 0.003%). This variant has not been reported in the literature in individuals affected with STAT2-related conditions. Advanced modeling of protein sequence and biophysical properties (such as structural, functional, and spatial information, amino acid conservation, physicochemical variation, residue mobility, and thermodynamic stability) performed at Invitae indicates that this missense variant is not expected to disrupt STAT2 protein function. In summary, the available evidence is currently insufficient to determine the role of this variant in disease. Therefore, it has been classified as a Variant of Uncertain Significance.